The following is an entry in ClinVar:

ClinVar aggregate classification (germline): Benign/Likely benign. Review status: criteria provided, multiple submitters, no conflicts (2 of 4 stars). 2 submissions from 2 submitters: Benign (1); Likely benign (1). Last evaluated 2025-06-01.

Allele frequency attached by ClinVar (database versions not stated): TOPMed 0.00199; 1000 Genomes Project 0.00140; 1000 Genomes Project 30x 0.00172.

Submissions (2):

CeGaT Center for Human Genetics Tuebingen
Classification: Likely benign. Last evaluated: 2025-06-01. Review status: criteria provided, single submitter. Criteria: CeGaT Center For Human Genetics Tuebingen Variant Classification Criteria Version 2. Collection method: clinical testing. Allele origin: germline. Affected: yes. Observed: 1 variant allele.
Comment: PCDHB4: BP4, BP7

Labcorp Genetics (formerly Invitae), Labcorp
Classification: Benign. Last evaluated: 2018-07-06. Review status: criteria provided, single submitter. Criteria: Invitae Variant Classification Sherloc (09022015). Collection method: clinical testing. Allele origin: germline.

NM_018938.4(PCDHB4):c.1989T>C (p.Asp663=)

Genes: PCDHB4 (protocadherin beta 4; plus strand), PCDHB@ (protocadherin beta cluster; plus strand). Cytogenetic location: 5q31.3.
Variant type: single nucleotide variant.
Coding change: c.1989T>C on transcript NM_018938.4 (MANE Select); coding-DNA position 1989, T replaced by C.
Protein change: p.Asp663=; no amino-acid change (aspartic acid 663 retained).
Molecular consequence: synonymous variant.
Genome position (GRCh38, 1-based): chr5:141,123,987, T>C. VCF-style: chr5-141123987-T-C. GRCh37 (hg19) VCF-style: chr5-140503569-T-C.
Identifiers: ClinVar variation 719966 (VCV000719966.13), dbSNP rs17844418, ClinGen allele CA3456673.
Genomic context (GRCh38, chr5:141,123,987, plus strand): 5'-CAAGGACAATGGCGAGCCTCCGCGCTCGGCCACCGCCACGCTGCACGTGCTCCTGGTGGA[T>C]GGCTTCTCCCAGCCCTACCTGCCTCTCCCTGAGGCGGCCCCGGCCCAGGCCCAGGCCGAC-3'
Protein context (NP_061761.1, residues 653-673): ATATLHVLLV[Asp663=]GFSQPYLPLP